The following is an entry in ClinVar:

ClinVar aggregate classification (germline): Pathogenic (1 of 4 stars; one submission).

Submission:

Labcorp Genetics (formerly Invitae), Labcorp
Classification: Pathogenic. Last evaluated: 2022-10-13. Review status: criteria provided, single submitter. Criteria: Invitae Variant Classification Sherloc (09022015). Collection method: clinical testing. Allele origin: germline.
Comment: For these reasons, this variant has been classified as Pathogenic. This variant has not been reported in the literature in individuals affected with ACBD5-related conditions. This variant is not present in population databases (gnomAD no frequency). This sequence change creates a premature translational stop signal (p.Lys154Glufs*6) in the ACBD5 gene. It is expected to result in an absent or disrupted protein product. Loss-of-function variants in ACBD5 are known to be pathogenic (PMID: 23105016, 27799409).

Literature cited by the submitters: PubMed 23105016; PubMed 27799409.

NM_145698.5(ACBD5):c.460_461del (p.Lys154fs)

Gene: ACBD5 (acyl-CoA binding domain containing 5; minus strand). Cytogenetic location: 10p12.1.
Variant type: Deletion.
Coding change: c.460_461del on transcript NM_145698.5 (MANE Select); coding-DNA positions 460 to 461, 2 bases deleted (AA; older notation c.460_461delAA).
Protein change: p.Lys154fs; shifts the reading frame from lysine 154.
Molecular consequence: frameshift variant.
Genome position (GRCh38, 1-based): chr10:27,223,367-27,223,368, TT deleted on the plus strand (AA on the coding strand, the reverse complement: ACBD5 is on the minus strand); deleting any 2 consecutive bases within chr10:27,223,367-27,223,371 gives the same sequence; the c. name uses the placement nearest the transcript's 3' end. VCF-style (leftmost placement, unchanged base first): chr10-27223366-CTT-C. GRCh37 (hg19) VCF-style: chr10-27512295-CTT-C.
Other names: c.355_356del, p.Lys119fs (NM_001042473.4, NM_001352574.2, NM_001352575.2 and 6 more transcripts); c.454_455del, p.Lys152fs (NM_001271512.3, NM_001352571.1, NM_001352586.1 and 1 more transcripts); c.133_134del, p.Lys45fs (NM_001301251.2, NM_001301252.2, NM_001301253.2 and 4 more transcripts); c.481_482del, p.Lys161fs (NM_001352568.1, NM_001352572.1); c.460_461del, p.Lys154fs (NM_001352569.1, NM_001352570.1, NM_001352573.1 and 2 more transcripts); short protein forms K152fs, K154fs, K119fs, K161fs, K45fs.
Identifiers: ClinVar variation 2028352 (VCV002028352.4), dbSNP rs2540995231, ClinGen allele CA2580081675.